The following is an entry in ClinVar:

NM_014946.4(SPAST):c.102_122dup (p.Pro41_Pro42insAlaAlaGlyProAlaProPro)

Gene: SPAST (spastin; plus strand). Cytogenetic location: 2p22.3.
Variant type: Duplication.
Coding change: c.102_122dup on transcript NM_014946.4 (MANE Select); coding-DNA positions 102 to 122, 21 bases duplicated (CGCCGCCGGGCCGGCCCCTCC).
Protein change: p.Pro41_Pro42insAlaAlaGlyProAlaProPro.
Molecular consequence: inframe insertion. On other transcripts: inframe indel (1).
Genome position (GRCh38, 1-based): chr2:32,063,933-32,063,953, CGCCGCCGGGCCGGCCCCTCC duplicated; duplicating any 21 consecutive bases within chr2:32,063,925-32,063,953 gives the same sequence; the c. name uses the placement nearest the transcript's 3' end. VCF-style (leftmost placement, unchanged base first): chr2-32063924-C-CGCCCCTCCCGCCGCCGGGCCG. GRCh37 (hg19) VCF-style: chr2-32288993-C-CGCCCCTCCCGCCGCCGGGCCG.
Other names: p.Ala35_Pro41dup; c.102_122dupCGCCGCCGGGCCGGCCCCTCC (NM_014946.3); c.102_122dup21 (NM_014946.4); c.102_122dup, p.Pro41_Pro42insAlaAlaGlyProAlaProPro (NM_001363823.2, NM_001363875.2, NM_001377959.1 and 1 more transcripts).
Identifiers: ClinVar variation 1982317 (VCV001982317.7), dbSNP rs1558605460, ClinGen allele CA531769477.

ClinVar aggregate classification (germline): Conflicting classifications of pathogenicity. Review status: criteria provided, conflicting classifications (1 of 4 stars). 4 submissions from 4 submitters: Uncertain significance (3); Likely benign (1). Last evaluated 2025-12-02.

Conditions:
Hereditary spastic paraplegia 4. Also called: Spastic paraplegia 4, autosomal dominant; Spastic Paraplegia 4; Familial spastic paraplegia autosomal dominant 2. Identifiers: Orphanet 100985, MedGen C1866855, MONDO:0008438, OMIM 182601.
Inborn genetic diseases. Identifiers: MedGen C0950123, MeSH D030342.

Submissions (4):

Women's Health and Genetics/Laboratory Corporation of America, LabCorp
Classification: Uncertain significance. Last evaluated: 2025-12-02. Review status: criteria provided, single submitter. Criteria: LabCorp Variant Classification Summary - May 2015. Collection method: clinical testing. Allele origin: germline.
Comment: Variant summary: SPAST c.102_122dup21 (p.Ala35_Pro41dup) results in an in-frame duplication that is predicted to duplicate 7 amino acids into the encoded protein. The variant allele was found at a frequency of 1.5e-05 in 1586612 control chromosomes in the gnomAD database, including 1 homozygote. The occurrence in several carriers suggests that this variant is likely not associated with a high penetrance, severe, early onset disease phenotype in heterozygous state. To our knowledge, no occurrence of c.102_122dup21 in individuals affected with SPAST-related conditions and no experimental evidence demonstrating its impact on protein function have been reported. ClinVar contains an entry for this variant (Variation ID: 1982317). Based on the evidence outlined above, the variant was classified as VUS-possibly benign.

Mayo Clinic Laboratories, Mayo Clinic
Classification: Uncertain significance. Last evaluated: 2025-10-22. Review status: criteria provided, single submitter. Criteria: ACMG Guidelines, 2015. Collection method: clinical testing. Allele origin: germline. Observed: 1 variant allele.

Labcorp Genetics (formerly Invitae), Labcorp
Classification: Likely benign for Hereditary spastic paraplegia 4. Last evaluated: 2025-10-05. Review status: criteria provided, single submitter. Criteria: Invitae Variant Classification Sherloc (09022015). Collection method: clinical testing. Allele origin: germline.

Ambry Genetics
Classification: Uncertain significance for Inborn genetic diseases. Last evaluated: 2025-01-29. Review status: criteria provided, single submitter. Criteria: Ambry Variant Classification Scheme 2023. Collection method: clinical testing. Allele origin: germline.
Comment: The c.102_122dupCGCCGCCGGGCCGGCCCCTCC () alteration is located in exon 1 (coding exon 1) of the SPAST gene. The alteration consists of an in-frame duplication of 21 nucleotides from position 102 to 122, resulting in the duplication of 7 residues. Based on insufficient or conflicting evidence, the clinical significance of this alteration remains unclear.